The following is an entry in ClinVar:

NM_001126108.2(SLC12A3):c.1984G>T (p.Val662Leu)

Gene: SLC12A3 (solute carrier family 12 member 3; plus strand). Cytogenetic location: 16q13.
Variant type: single nucleotide variant.
Coding change: c.1984G>T on transcript NM_001126108.2 (MANE Select); coding-DNA position 1984, G replaced by T.
Protein change: p.Val662Leu; replaces valine 662 with leucine.
Molecular consequence: missense variant.
Genome position (GRCh38, 1-based): chr16:56,886,422, G>T. VCF-style: chr16-56886422-G-T. GRCh37 (hg19) VCF-style: chr16-56920334-G-T.
Other names: c.1984G>T, p.Val662Leu (NM_000339.3); c.1981G>T, p.Val661Leu (NM_001126107.2, NM_001410896.1); short protein forms V661L, V662L.
Identifiers: ClinVar variation 3256662 (VCV003256662.1).
Genomic context (GRCh38, chr16:56,886,422, plus strand): 5'-AGCCCCCAGTGCCTGGTGCTCACGGGGCCCCCCAACTTCCGCCCGGCCCTGGTGGACTTT[G>T]TGGGCACCTTCACCCGGAACCTCAGCCTGATGATCTGTGGCCACGTGCTCATCGTGAGTG-3'
Protein context (NP_001119580.2, residues 652-672): PNFRPALVDF[Val662Leu]GTFTRNLSLM

ClinVar aggregate classification (germline): Uncertain significance (1 of 4 stars; one submission).

Conditions:
Familial hypokalemia-hypomagnesemia (GTLMNS). Also called: HYPOMAGNESEMIA-HYPOKALEMIA, PRIMARY RENOTUBULAR, WITH HYPOCALCIURIA; POTASSIUM AND MAGNESIUM DEPLETION; gitelman syndrome. Identifiers: Orphanet 358, MedGen C0268450, MONDO:0009904, OMIM 263800.

Submission:

MVZ Medizinische Genetik Mainz
Classification: Uncertain significance for Familial hypokalemia-hypomagnesemia. Last evaluated: 2024-07-01. Review status: criteria provided, single submitter. Criteria: UK Practice Guidelines For Variant Classification V4 01 2020. Collection method: clinical testing. Allele origin: germline. Inheritance: Autosomal recessive inheritance. Affected: yes. Observed: 1 variant allele.
Comment: ACMG Criteria: PM2_SUP,PM3_SUP,PP4,BP4